The following is an entry in ClinVar:

ClinVar aggregate classification (germline): Uncertain significance. Review status: criteria provided, multiple submitters, no conflicts (2 of 4 stars). 4 submissions from 4 submitters: Uncertain significance (4). Last evaluated 2025-10-21.

Conditions:
Thrombocytopenia 2 (THC2). Also called: ANKRD26-Related Thrombocytopenia. Identifiers: Orphanet 268322, MedGen C1861185, MONDO:0008555, OMIM 188000.
ANKRD26-related disorder. Also called: ANKRD26-related condition.

Allele frequency attached by ClinVar (database versions not stated): gnomAD 0.00004 and 0.00012; TOPMed 0.00012; 1000 Genomes Project 30x 0.00031.
gnomAD v4.1: 156 of 1,331,854 alleles (0.012%); highest among the groups gnomAD compares: South Asian, 0.12%; no homozygotes.

Submissions (4):

Labcorp Genetics (formerly Invitae), Labcorp
Classification: Uncertain significance. Last evaluated: 2025-10-21. Review status: criteria provided, single submitter. Criteria: Invitae Variant Classification Sherloc (09022015). Collection method: clinical testing. Allele origin: germline.
Comment: This variant occurs in a non-coding region of the ANKRD26 gene. It does not change the encoded amino acid sequence of the ANKRD26 protein. This variant is present in population databases (rs373811579, gnomAD 0.2%). This variant has not been reported in the literature in individuals affected with ANKRD26-related conditions. ClinVar contains an entry for this variant (Variation ID: 299769). Experimental studies and prediction algorithms are not available or were not evaluated, and the functional significance of this variant is currently unknown. In summary, the available evidence is currently insufficient to determine the role of this variant in disease. Therefore, it has been classified as a Variant of Uncertain Significance.

PreventionGenetics, part of Exact Sciences
Classification: Uncertain significance for ANKRD26-related condition. Last evaluated: 2025-08-29. Review status: criteria provided, single submitter. Criteria: ACMG Guidelines, 2015. Collection method: clinical testing. Allele origin: germline.
Comment: The ANKRD26 c.-135A>C variant is located in the 5' untranslated region. Variants in the 5’ UTR of the ANKRD26 gene, such as c.-127A>T and c.-134G>A, are linked to thrombocytopenia and have also been associated with predisposition to myeloid malignancies with incomplete penetrance (Noris et al. 2013. PubMed ID: 24030261; Marquez et al. 2014. PubMed ID: 24628296). This variant is reported in 0.19% of alleles in individuals of East Asian descent in gnomAD and is reported as uncertain in ClinVar. At this time, the clinical significance of this variant is uncertain due to the absence of conclusive functional and genetic evidence.

GeneDx
Classification: Uncertain significance. Last evaluated: 2023-02-01. Review status: criteria provided, single submitter. Criteria: GeneDx Variant Classification Process June 2021. Collection method: clinical testing. Allele origin: germline. Affected: yes.
Comment: Nucleotide substitution has no predicted effect on splicing and is not conserved across species; Has not been previously published as pathogenic or benign to our knowledge

Illumina Laboratory Services, Illumina
Classification: Uncertain significance for Thrombocytopenia 2. Last evaluated: 2018-01-12. Review status: criteria provided, single submitter. Criteria: ICSL Variant Classification Criteria 13 December 2019. Collection method: clinical testing. Allele origin: germline.

NM_014915.3(ANKRD26):c.-135A>C

Gene: ANKRD26 (ankyrin repeat domain 26; minus strand). Cytogenetic location: 10p12.1.
Variant type: single nucleotide variant.
Coding change: c.-135A>C on transcript NM_014915.3 (MANE Select); 135 bases upstream of the start codon, A replaced by C.
Molecular consequence: 5 prime UTR variant.
Genome position (GRCh38, 1-based): chr10:27,100,461, T>G on the plus strand (A>C on the coding strand, the complement: ANKRD26 is on the minus strand). VCF-style: chr10-27100461-T-G. GRCh37 (hg19) VCF-style: chr10-27389390-T-G.
Other names: c.-135A>C (NM_001256053.2).
Identifiers: ClinVar variation 299769 (VCV000299769.11), dbSNP rs373811579, ClinGen allele CA10628461.
Genomic context (GRCh38, chr10:27,100,461, plus strand): 5'-AAGTCAGCCCCGGCTGGCCGCAGCCTCCCAAAGGAAACTCCGCGGTTTCCAATCTCTCCC[T>G]CCGGGTTACCAAGCAAGCGATCCCGCTAGACACAAGTGCGCATGCGCACCTCAGATGGCA-3'